The following is an entry in ClinVar:

NM_177438.3(DICER1):c.5528-3C>A

Gene: DICER1 (dicer 1, ribonuclease III; minus strand). Cytogenetic location: 14q32.13.
Variant type: single nucleotide variant.
Coding change: c.5528-3C>A on transcript NM_177438.3 (MANE Select); 3 bases into the intron before coding-DNA position 5528, C replaced by A.
Molecular consequence: intron variant.
Genome position (GRCh38, 1-based): chr14:95,091,112, G>T on the plus strand (C>A on the coding strand, the complement: DICER1 is on the minus strand). VCF-style: chr14-95091112-G-T. GRCh37 (hg19) VCF-style: chr14-95557449-G-T.
Other names: c.5528-3C>A (NM_001291628.2, NM_030621.4, NM_001395677.1 and 7 more transcripts); c.5123-3C>A (NM_001395690.1, NM_001395687.1, NM_001395689.1 and 1 more transcripts); c.5246-3C>A (NM_001395686.1); c.4961-3C>A (NM_001395691.1); c.3845-3C>A (NM_001395697.1); c.5365-3C>A (NM_001195573.1).
Identifiers: ClinVar variation 2758382 (VCV002758382.3), dbSNP rs1168695572, ClinGen allele CA2697554146.

ClinVar aggregate classification (germline): Uncertain significance (1 of 4 stars; one submission).

Conditions:
DICER1-related tumor predisposition. Also called: DICER1-related pleuropulmonary blastoma cancer predisposition syndrome; DICER1 syndrome. Identifiers: Orphanet 284343, MedGen C3839822, MONDO:0100216.

Submission:

Labcorp Genetics (formerly Invitae), Labcorp
Classification: Uncertain significance for DICER1-related tumor predisposition. Last evaluated: 2023-10-10. Review status: criteria provided, single submitter. Criteria: Invitae Variant Classification Sherloc (09022015). Collection method: clinical testing. Allele origin: germline.
Comment: This sequence change falls in intron 25 of the DICER1 gene. It does not directly change the encoded amino acid sequence of the DICER1 protein. It affects a nucleotide within the consensus splice site. This variant is not present in population databases (gnomAD no frequency). This variant has not been reported in the literature in individuals affected with DICER1-related conditions. Variants that disrupt the consensus splice site are a relatively common cause of aberrant splicing (PMID: 17576681, 9536098). Algorithms developed to predict the effect of sequence changes on RNA splicing suggest that this variant is not likely to affect RNA splicing. In summary, the available evidence is currently insufficient to determine the role of this variant in disease. Therefore, it has been classified as a Variant of Uncertain Significance.

Literature cited by the submitters: PubMed 17576681; PubMed 9536098.